The following is an entry in ClinVar:

NM_004380.3(CREBBP):c.242G>A (p.Ser81Asn)

Gene: CREBBP (CREB binding protein; minus strand). Cytogenetic location: 16p13.3.
Variant type: single nucleotide variant.
Coding change: c.242G>A on transcript NM_004380.3 (MANE Select); coding-DNA position 242, G replaced by A.
Protein change: p.Ser81Asn; replaces serine 81 with asparagine.
Molecular consequence: missense variant.
Genome position (GRCh38, 1-based): chr16:3,850,853, C>T on the plus strand (G>A on the coding strand, the complement: CREBBP is on the minus strand). VCF-style: chr16-3850853-C-T. GRCh37 (hg19) VCF-style: chr16-3900854-C-T.
Other names: c.242G>A, p.Ser81Asn (NM_001079846.1); short protein forms S81N.
Identifiers: ClinVar variation 1311843 (VCV001311843.2), dbSNP rs372793936, ClinGen allele CA276987541.
Genomic context (GRCh38, chr16:3,850,853, plus strand): 5'-CCACCCAGGCCCTGCTGCACGGGGCTGCTGGCGCTCACATTTCCTATTCCTGGGTTGATA[C>T]TAGAGCCGCTGCCTCCTCGTAGAAGCTCCGACAGTTGTTTATGTTTGGAAGCAGCATCTG-3'
Protein context (NP_004371.2, residues 71-91): SELLRGGSGS[Ser81Asn]INPGIGNVSA

ClinVar aggregate classification (germline): Uncertain significance (1 of 4 stars; one submission).

Submission:

GeneDx
Classification: Uncertain significance. Last evaluated: 2020-01-03. Review status: criteria provided, single submitter. Criteria: GeneDx Variant Classification Process June 2021. Collection method: clinical testing. Allele origin: germline. Affected: yes.
Comment: Not observed in large population cohorts (Lek et al., 2016); In silico analysis, which includes protein predictors and evolutionary conservation, supports that this variant does not alter protein structure/function; Has not been previously published as pathogenic or benign to our knowledge